The following is an entry in ClinVar:

NM_199420.4(POLQ):c.5777T>C (p.Ile1926Thr)

Gene: POLQ (DNA polymerase theta; minus strand). Cytogenetic location: 3q13.33.
Variant type: single nucleotide variant.
Coding change: c.5777T>C on transcript NM_199420.4 (MANE Select); coding-DNA position 5777, T replaced by C.
Protein change: p.Ile1926Thr; replaces isoleucine 1926 with threonine.
Molecular consequence: missense variant.
Genome position (GRCh38, 1-based): chr3:121,483,579, A>G on the plus strand (T>C on the coding strand, the complement: POLQ is on the minus strand). VCF-style: chr3-121483579-A-G. GRCh37 (hg19) VCF-style: chr3-121202426-A-G.
Other names: short protein forms I1926T.
Identifiers: ClinVar variation 3422449 (VCV003422449.1).

ClinVar aggregate classification (germline): Uncertain significance (1 of 4 stars; one submission).

Submission:

Ambry Genetics
Classification: Uncertain significance. Last evaluated: 2024-07-13. Review status: criteria provided, single submitter. Criteria: Ambry Variant Classification Scheme 2023. Collection method: clinical testing. Allele origin: germline.
Comment: The p.I1926T variant (also known as c.5777T>C), located in coding exon 18 of the POLQ gene, results from a T to C substitution at nucleotide position 5777. The isoleucine at codon 1926 is replaced by threonine, an amino acid with similar properties. This amino acid position is conserved. In addition, this alteration is predicted to be tolerated by in silico analysis. Based on the available evidence, the clinical significance of this variant remains unclear.